The following continues an entry in ClinVar:

NM_000059.4(BRCA2):c.3170_3174del (p.Lys1057fs)

Gene: BRCA2. ClinVar aggregate classification (germline): Pathogenic. Pathogenic (1).

Submissions 10 to 21 of 31:

ARUP Laboratories, Molecular Genetics and Genomics, ARUP Laboratories
Classification: Pathogenic. Last evaluated: 2024-09-24. Review status: criteria provided, single submitter. Criteria: ARUP Molecular Germline Variant Investigation Process 2024. Collection method: clinical testing. Allele origin: germline. Not counted in ClinVar's aggregate classification.
Comment: The BRCA2 c.3170_3174delAGAAA; p.Lys1057ThrfsTer8 variant (rs80359373), also known as 3398del5 in traditional nomenclature, has been reported in several individuals affected with breast or ovarian cancer (Ellingson 2015, Labidi-Galy 2018, Lubinski 2004, Kang 2015, Sun 2017). The variant is reported as pathogenic by several sources in the ClinVar database (Variation ID: 37826) and is reported in the general population with an overall allele frequency of 0.001% (3/246888 alleles) in the Genome Aggregation Database. This variant causes a frameshift by deleting five nucleotides, so it is predicted to result in a truncated protein or mRNA subject to nonsense-mediated decay. Based on available information, this variant is considered to be pathogenic. References: Ellingson MS et al. Exome sequencing reveals frequent deleterious germline variants in cancer susceptibility genes in women with invasive breast cancer undergoing neoadjuvant chemotherapy. Breast Cancer Res Treat. 2015 Sep;153(2):435-43. Labidi-Galy SI et al. Location of Mutation in BRCA2 Gene and Survival in Patients with Ovarian Cancer. Clin Cancer Res. 2018 Jan 15;24(2):326-333. Lubinski J et al. Cancer variation associated with the position of the mutation in the BRCA2 gene. Fam Cancer. 2004;3(1):1-10. Kang E et al. The prevalence and spectrum of BRCA1 and BRCA2 mutations in Korean population: recent update of the Korean Hereditary Breast Cancer (KOHBRA) study. Breast Cancer Res Treat. 2015 May;151(1):157-68. Sun J et al. Germline Mutations in Cancer Susceptibility Genes in a Large Series of Unselected Breast Cancer Patients. Clin Cancer Res. 2017 Oct 15;23(20):6113-6119.

All of Us Research Program, National Institutes of Health
Classification: Pathogenic for BRCA2-related cancer predisposition. Last evaluated: 2024-02-28. Review status: criteria provided, single submitter. Criteria: ACMG Guidelines, 2015. Collection method: clinical testing. Allele origin: germline. Inheritance: Autosomal dominant inheritance. Observed: 3 variant alleles, 3 heterozygotes. Not counted in ClinVar's aggregate classification.
Comment: This variant deletes 5 nucleotides in exon 11 of the BRCA2 gene, creating a frameshift and premature translation stop signal. This variant is also known as 3398del5 or 3398delAAAAG in the literature. This variant is expected to result in an absent or non-functional protein product. This variant has been identified in more than 15 individuals affected with breast or ovarian cancer (PMID: 16539696, 23479189, 23621881, 25863477, 26296701, 29084914, 33471991), in individuals affected with pancreatic cancer (PMID: 35547873) and in an individual affected with prostate cancer (PMID: 27433846). This variant has been identified in 3/246888 chromosomes in the general population by the Genome Aggregation Database (gnomAD). Loss of BRCA2 function is a known mechanism of disease. Based on the available evidence, this variant is classified as Pathogenic.

This study involves interpretation of variants in research participants for the purpose of population health screening. Participant phenotype was not available at the time of variant classification. Additional details can be found in publication PMID: 35346344, PMCID: PMC8962531

Baylor Genetics
Classification: Pathogenic for Familial cancer of breast. Last evaluated: 2024-02-10. Review status: criteria provided, single submitter. Criteria: ACMG Guidelines, 2015. Collection method: clinical testing. Allele origin: unknown. Not counted in ClinVar's aggregate classification.

Quest Diagnostics Nichols Institute San Juan Capistrano
Classification: Pathogenic. Last evaluated: 2023-12-06. Review status: criteria provided, single submitter. Criteria: Quest Diagnostics criteria. Collection method: clinical testing. Allele origin: unknown. Not counted in ClinVar's aggregate classification.
Comment: The BRCA2 c.3170_3174del (p.Lys1057Thrfs*8) variant (also known as 3398del5, 3167_3171del) alters the translational reading frame of the BRCA2 mRNA and causes the premature termination of BRCA2 protein synthesis. In the published literature, this variant has been reported in individuals with breast and/or ovarian cancer (PMIDs: 32885271 (2021), 28724667 (2017), 26296701 (2015), 15728167 (2005)), endometrial cancer (PMID: 29084914 (2018)), pancreatic cancer (PMID: 25864590 (2015)), and prostate cancer (PMID: 27433846 (2016)). This variant has also been described as a founder variant in the French Canadian population (PMID: 23199084 (2010)). The frequency of this variant in the general population, 0.000027 (3/112272 chromosomes (Genome Aggregation Database)), is consistent with pathogenicity. Based on the available information, this variant is classified as pathogenic.

CHEO Genetics Diagnostic Laboratory, Children's Hospital of Eastern Ontario
Classification: Pathogenic for Breast and/or ovarian cancer. Last evaluated: 2023-06-09. Review status: criteria provided, single submitter. Criteria: ACMG Guidelines, 2015. Collection method: clinical testing. Allele origin: germline. Study: Canadian Open Genetics Repository. Not counted in ClinVar's aggregate classification.

Clinical Genetics Laboratory, Skane University Hospital Lund
Classification: Pathogenic. Last evaluated: 2023-05-08. Review status: criteria provided, single submitter. Criteria: ACMG Guidelines, 2015. Collection method: clinical testing. Allele origin: germline. Affected: yes. Not counted in ClinVar's aggregate classification.

Blueprint Genetics
Classification: Pathogenic for BRCA2-related disorders. Last evaluated: 2023-03-26. Review status: criteria provided, single submitter. Criteria: ACMG Guidelines, 2015. Collection method: clinical testing. Allele origin: germline. Affected: yes. Observed: 3 variant alleles. Not counted in ClinVar's aggregate classification.

Revvity Omics, Revvity
Classification: Pathogenic. Last evaluated: 2022-11-30. Review status: criteria provided, single submitter. Criteria: ACMG Guidelines, 2015. Collection method: clinical testing. Allele origin: germline. Not counted in ClinVar's aggregate classification.

Women's Health and Genetics/Laboratory Corporation of America, LabCorp
Classification: Pathogenic for Hereditary breast ovarian cancer syndrome. Last evaluated: 2022-05-04. Review status: criteria provided, single submitter. Criteria: LabCorp Variant Classification Summary - May 2015. Collection method: clinical testing. Allele origin: germline. Not counted in ClinVar's aggregate classification.
Comment: Variant summary: BRCA2 c.3170_3174delAGAAA (p.Lys1057ThrfsX8) results in a premature termination codon, predicted to cause a truncation of the encoded protein or absence of the protein due to nonsense mediated decay, which are commonly known mechanisms for disease. Truncations downstream of this position have been classified as pathogenic by our laboratory. The variant allele was found at a frequency of 1.2e-05 in 246888 control chromosomes. c.3170_3174delAGAAA has been reported in the literature in multiple individuals affected with Hereditary Breast and Ovarian Cancer (eg. Lubinski_2004, Oros_2004, de Juan Jimenez_2013, Ghadirian_2013). These data indicate that the variant is very likely to be associated with disease. To our knowledge, no experimental evidence demonstrating an impact on protein function has been reported. 14 clinical diagnostic laboratories have submitted clinical-significance assessments for this variant to ClinVar after 2014 without evidence for independent evaluation. All laboratories classified the variant as pathogenic. Based on the evidence outlined above, the variant was classified as pathogenic.

Laboratory for Molecular Medicine, Mass General Brigham Personalized Medicine
Classification: Pathogenic for Hereditary breast ovarian cancer syndrome. Last evaluated: 2021-07-15. Review status: criteria provided, single submitter. Criteria: ACMG Guidelines, 2015. Collection method: clinical testing. Allele origin: germline. Not counted in ClinVar's aggregate classification.
Comment: The p.Lys1057ThrfsX8 variant in BRCA2 is considered to be a founder variant in the French Canadian individuals with BRCA2-associated cancers (Oros 2006 PMID:16539696, Cavallone 2010 PMID:20694749, Ghadirian 2014 23621881) and has also been reported in affected individuals from other populations (Kang 2015 PMID:25863477, Sun 2017 PMID:28724667). This variant was absent from large population studies. This variant is predicted to cause a frameshift, which alters the protein’s amino acid sequence beginning at position 1057 and leads to a premature termination codon 8 amino acids downstream. This alteration is then predicted to lead to a truncated or absent protein. Heterozygous loss of function of the BRCA2 gene is an established disease mechanism for hereditary breast and ovarian cancer (HBOC). Additionally, this variant was classified as pathogenic on Sep 08, 2016 by the ClinGen-approved ENIGMA expert panel (Variation ID 37826). In summary, this variant meets criteria to be classified as pathogenic for autosomal dominant HBOC. ACMG/AMP criteria applied: PVS1, PS4, PM2_supporting.

GeneDx
Classification: Pathogenic. Last evaluated: 2021-04-22. Review status: criteria provided, single submitter. Criteria: GeneDx Variant Classification Process June 2021. Collection method: clinical testing. Allele origin: germline. Affected: yes. Not counted in ClinVar's aggregate classification.
Comment: Frameshift variant predicted to result in protein truncation or nonsense mediated decay in a gene for which loss-of-function is a known mechanism of disease; Observed in individuals with hereditary breast and ovarian cancer and is considered a French Canadian pathogenic founder variant (Lubinski 2004, Oros 2006, Janavicius 2010, de Juan Jimenez 2013, Andrei 2015, Belanger 2015, Pritchard 2016); Not observed at a significant frequency in large population cohorts (Lek 2016); Truncating variants in this gene are considered pathogenic by a well-established clinical consortium and/or database; Also known as 3398del5; This variant is associated with the following publications: (PMID: 26296701, 25884701, 23199084, 25863477, 20694749, 28127413, 23479189, 25864590, 26941049, 27433846, 15382066, 16539696, 23621881, 15728167, 15131399, 29084914, 28724667, 30720243, 31447099)

Human Genome Sequencing Center Clinical Lab, Baylor College of Medicine
Classification: Pathogenic for Breast-ovarian cancer, familial, susceptibility to, 2. Last evaluated: 2017-05-25. Review status: criteria provided, single submitter. Criteria: ACMG Guidelines, 2015. Collection method: clinical testing. Allele origin: germline. Not counted in ClinVar's aggregate classification.
Comment: The c.3170_3174del (p.Lys1057Thrfs*8) variant in the BRCA2 gene has been detected in one family from a cohort of cancer patients [PMID 15131399, reported as 3398delAAAAG] and a cohort of patients with prostate cancer [PMID 27433846]. The variant was also reported in 11 patients in the Breast Cancer Information Core database. This 5 bp deletion in exon 11 results in a frameshift and the creation of a premature stop codon. This variant is thus predicted to result in a loss of function of the protein. This variant has been detected in three individuals in the ExAC database. This variant thus classified as pathogenic.